The following is an entry in ClinVar:

NM_001371928.1(AHDC1):c.3405C>T (p.His1135=)

Gene: AHDC1 (AT-hook DNA binding motif containing 1; minus strand). Cytogenetic location: 1p36.11.
Variant type: single nucleotide variant.
Coding change: c.3405C>T on transcript NM_001371928.1 (MANE Select); coding-DNA position 3405, C replaced by T.
Protein change: p.His1135=; no amino-acid change (histidine 1135 retained).
Molecular consequence: synonymous variant.
Genome position (GRCh38, 1-based): chr1:27,548,711, G>A on the plus strand (C>T on the coding strand, the complement: AHDC1 is on the minus strand). VCF-style: chr1-27548711-G-A. GRCh37 (hg19) VCF-style: chr1-27875222-G-A.
Other names: c.3405C>T, p.His1135= (NM_001029882.3).
Identifiers: ClinVar variation 754698 (VCV000754698.9), dbSNP rs141366276, ClinGen allele CA715565.

ClinVar aggregate classification (germline): Likely benign. Review status: criteria provided, single submitter (1 of 4 stars). 2 submissions from 2 submitters: Likely benign (1). 1 of the submissions does not count toward it. Last evaluated 2025-07-14.

Conditions:
AHDC1-related disorder. Also called: AHDC1-related condition.

Allele frequency attached by ClinVar (database versions not stated): ExAC 0.00004; gnomAD exomes 0.00004; TOPMed 0.00005; ESP Exome Variant Server 0.00015.
gnomAD v4.1: 61 of 1,613,230 alleles (0.0038%); highest among the groups gnomAD compares: South Asian, 0.0099%; no homozygotes.

Submissions (2):

Labcorp Genetics (formerly Invitae), Labcorp
Classification: Likely benign. Last evaluated: 2025-07-14. Review status: criteria provided, single submitter. Criteria: Invitae Variant Classification Sherloc (09022015). Collection method: clinical testing. Allele origin: germline.

PreventionGenetics, part of Exact Sciences
Classification: Likely benign for AHDC1-related condition. Last evaluated: 2021-02-22. Review status: no assertion criteria provided. Collection method: clinical testing. Allele origin: germline. Not counted in ClinVar's aggregate classification.
Comment: This variant is classified as likely benign based on ACMG/AMP sequence variant interpretation guidelines (Richards et al. 2015 PMID: 25741868, with internal and published modifications).